The following is an entry in ClinVar:

ClinVar aggregate classification (germline): Uncertain significance. Review status: criteria provided, multiple submitters, no conflicts (2 of 4 stars). 4 submissions from 4 submitters: Uncertain significance (4). Last evaluated 2025-09-12.

Conditions:
MYH14-related disorder. Also called: MYH14-related condition.

Allele frequency attached by ClinVar (database versions not stated): gnomAD exomes 0.00002 and 0.00005; gnomAD 0.00003; TOPMed 0.00003; ExAC 0.00004.
gnomAD v4.1: 39 of 1,613,460 alleles (0.0024%); highest among the groups gnomAD compares: Middle Eastern, 0.016%; no homozygotes.

Submissions (4):

PreventionGenetics, part of Exact Sciences
Classification: Uncertain significance for MYH14-related condition. Last evaluated: 2025-09-12. Review status: criteria provided, single submitter. Criteria: ACMG Guidelines, 2015. Collection method: clinical testing. Allele origin: germline.
Comment: The MYH14 c.566G>A variant is predicted to result in the amino acid substitution p.Arg189His. To our knowledge, this variant has not been reported in the literature. This variant is reported in 0.022% of alleles in individuals of East Asian descent in gnomAD. Although we suspect that this variant may be benign, at this time, the clinical significance of this variant is uncertain due to the absence of conclusive functional and genetic evidence.

Labcorp Genetics (formerly Invitae), Labcorp
Classification: Uncertain significance. Last evaluated: 2025-01-01. Review status: criteria provided, single submitter. Criteria: Invitae Variant Classification Sherloc (09022015). Collection method: clinical testing. Allele origin: germline.
Comment: This sequence change replaces arginine, which is basic and polar, with histidine, which is basic and polar, at codon 189 of the MYH14 protein (p.Arg189His). This variant is present in population databases (rs766546274, gnomAD 0.02%). This variant has not been reported in the literature in individuals affected with MYH14-related conditions. ClinVar contains an entry for this variant (Variation ID: 1418104). Invitae Evidence Modeling of protein sequence and biophysical properties (such as structural, functional, and spatial information, amino acid conservation, physicochemical variation, residue mobility, and thermodynamic stability) indicates that this missense variant is not expected to disrupt MYH14 protein function with a negative predictive value of 80%. In summary, the available evidence is currently insufficient to determine the role of this variant in disease. Therefore, it has been classified as a Variant of Uncertain Significance.

GeneDx
Classification: Uncertain significance. Last evaluated: 2024-11-13. Review status: criteria provided, single submitter. Criteria: GeneDx Variant Classification Process June 2021. Collection method: clinical testing. Allele origin: germline. Affected: yes.
Comment: Reported in a patient with recurrent infections and hypogammaglobulinemia in published literature; variants in additional genes possibly associated with the phenotype were also identified (PMID: 31862378); In silico analysis supports that this missense variant has a deleterious effect on protein structure/function; This variant is associated with the following publications: (PMID: 37550746, 31862378)

Women's Health and Genetics/Laboratory Corporation of America, LabCorp
Classification: Uncertain significance. Last evaluated: 2024-04-25. Review status: criteria provided, single submitter. Criteria: LabCorp Variant Classification Summary - May 2015. Collection method: clinical testing. Allele origin: germline.
Comment: Variant summary: MYH14 c.566G>A (p.Arg189His) results in a non-conservative amino acid change located in the Myosin head, motor domain (IPR001609) of the encoded protein sequence. Four of five in-silico tools predict a damaging effect of the variant on protein function. The variant allele was found at a frequency of 4.8e-05 in 249258 control chromosomes. c.566G>A has been reported in the literature in one individual affected with recurrent sinopulmonary infections and hypogammaglobulinemia, and no deafness was found in this patient (Chou_2019). These report(s) do not provide unequivocal conclusions about association of the variant with Deafness, Autosomal Dominant 4. To our knowledge, no experimental evidence demonstrating an impact on protein function has been reported. The following publication have been ascertained in the context of this evaluation (PMID: 31862378). ClinVar contains an entry for this variant (Variation ID: 1418104). Based on the evidence outlined above, the variant was classified as uncertain significance.

Literature cited by the submitters: PubMed 31862378 (cited by Women's Health and Genetics/Laboratory Corporation of America, LabCorp).

NM_001145809.2(MYH14):c.566G>A (p.Arg189His)

Gene: MYH14 (myosin heavy chain 14; plus strand). Cytogenetic location: 19q13.33.
Variant type: single nucleotide variant.
Coding change: c.566G>A on transcript NM_001145809.2 (MANE Select); coding-DNA position 566, G replaced by A.
Protein change: p.Arg189His; replaces arginine 189 with histidine.
Molecular consequence: missense variant.
Genome position (GRCh38, 1-based): chr19:50,223,086, G>A. VCF-style: chr19-50223086-G-A. GRCh37 (hg19) VCF-style: chr19-50726343-G-A.
Other names: c.566G>A, p.Arg189His (NM_001077186.2, NM_024729.4); c.566G>A (NM_024729.3, NM_001145809.1); short protein forms R189H.
Identifiers: ClinVar variation 1418104 (VCV001418104.9), dbSNP rs766546274, ClinGen allele CA9592305.